The following is an entry in ClinVar:

NM_001023570.4(IQCB1):c.758del (p.Cys253fs)

Gene: IQCB1 (IQ motif containing B1; minus strand). Cytogenetic location: 3q13.33.
Variant type: Deletion.
Coding change: c.758del on transcript NM_001023570.4 (MANE Select); coding-DNA position 758, one base deleted (G; older notation c.758delG).
Protein change: p.Cys253fs; shifts the reading frame from cysteine 253.
Molecular consequence: frameshift variant. On other transcripts: non-coding transcript variant (1), intron variant (1).
Genome position (GRCh38, 1-based): chr3:121,799,204, C deleted on the plus strand (G on the coding strand, the reverse complement: IQCB1 is on the minus strand). VCF-style (leftmost placement, unchanged base first): chr3-121799203-GC-G. GRCh37 (hg19) VCF-style: chr3-121518050-GC-G.
Other names: c.758del, p.Cys253fs (NM_001319107.2); c.587+8140del (NM_001023571.4); short protein forms C253fs.
Identifiers: ClinVar variation 988123 (VCV000988123.3), dbSNP rs770441610, ClinGen allele CA2567324.

ClinVar aggregate classification (germline): Pathogenic/Likely pathogenic. Review status: criteria provided, multiple submitters, no conflicts (2 of 4 stars). 3 submissions from 3 submitters: Pathogenic (1); Likely pathogenic (1). 1 of the submissions does not count toward it. Last evaluated 2023-04-01.

Conditions:
Nephronophthisis. Also called: Juvenile Nephronophthisis. Identifiers: Orphanet 655, MedGen C0687120, MONDO:0019005, HP:0000090.
IQCB1-related disorder. Also called: IQCB1-related condition.
Senior-Loken syndrome 5 (SLSN5). Identifiers: Orphanet 3156, MedGen C1836517, MONDO:0012225, OMIM 609254.

Allele frequency attached by ClinVar (database versions not stated): gnomAD exomes below 0.00001 and 0.00003; ExAC 0.00001.

Submissions (3):

Baylor Genetics
Classification: Pathogenic for Senior-Loken syndrome 5. Last evaluated: 2023-04-01. Review status: criteria provided, single submitter. Criteria: ACMG Guidelines, 2015. Collection method: clinical testing. Allele origin: unknown.

Blueprint Genetics
Classification: Likely pathogenic for IQCB1-related disorders. Last evaluated: 2020-03-18. Review status: criteria provided, single submitter. Criteria: ACMG Guidelines, 2015. Collection method: clinical testing. Allele origin: germline. Affected: yes. Observed: 2 variant alleles.

Sydney Genome Diagnostics, Children's Hospital Westmead
Classification: Likely pathogenic for Nephronophthisis. Last evaluated: 2018-03-02. Review status: no assertion criteria provided. Collection method: clinical testing. Allele origin: unknown. Affected: yes. Observed: 1 variant allele, 1 compound heterozygote. Not counted in ClinVar's aggregate classification.
Comment: This frameshifting variant is predicted to create a premature stop codon p.(Ile301Leufs*42) and may result in a null allele due to nonsense-mediated mRNA decay. This variant has been listed in the ExAC database with a low allele frequency of 0.01% (8 out of 66,560 alleles). The c.897_900dup variant has been reported in a compound heterozygous state with another truncating variant in a patient with Senior-Loken syndrome (Halbritter et al. 2012 J Med Genet 49:756-767). This variant is considered to be likely pathogenic according to the ACMG guidelines.